The following is an entry in ClinVar:

NM_000334.4(SCN4A):c.1873A>C (p.Met625Leu)

Gene: SCN4A (sodium voltage-gated channel alpha subunit 4; minus strand). Cytogenetic location: 17q23.3.
Variant type: single nucleotide variant.
Coding change: c.1873A>C on transcript NM_000334.4 (MANE Select); coding-DNA position 1873, A replaced by C.
Protein change: p.Met625Leu; replaces methionine 625 with leucine.
Molecular consequence: missense variant.
Genome position (GRCh38, 1-based): chr17:63,959,411, T>G on the plus strand (A>C on the coding strand, the complement: SCN4A is on the minus strand). VCF-style: chr17-63959411-T-G. GRCh37 (hg19) VCF-style: chr17-62036771-T-G.
Other names: short protein forms M625L.
Identifiers: ClinVar variation 1474599 (VCV001474599.8), dbSNP rs2144795716, ClinGen allele CA400632560.

ClinVar aggregate classification (germline): Uncertain significance (1 of 4 stars; one submission).

Conditions:
Hyperkalemic periodic paralysis. Also called: Familial hyperkalemic periodic paralysis; Gamstorp disease. Identifiers: Orphanet 682, MedGen C0238357, MONDO:0008224, OMIM 170500, HP:0007215.

Submission:

Labcorp Genetics (formerly Invitae), Labcorp
Classification: Uncertain significance for Hyperkalemic periodic paralysis. Last evaluated: 2021-01-16. Review status: criteria provided, single submitter. Criteria: Invitae Variant Classification Sherloc (09022015). Collection method: clinical testing. Allele origin: germline.
Comment: This variant has not been reported in the literature in individuals with SCN4A-related conditions. This variant is not present in population databases (ExAC no frequency). This sequence change replaces methionine with leucine at codon 625 of the SCN4A protein (p.Met625Leu). The methionine residue is highly conserved and there is a small physicochemical difference between methionine and leucine. Algorithms developed to predict the effect of missense changes on protein structure and function are either unavailable or do not agree on the potential impact of this missense change (SIFT: "Deleterious"; PolyPhen-2: "Possibly Damaging"; Align-GVGD: "Class C0"). In summary, the available evidence is currently insufficient to determine the role of this variant in disease. Therefore, it has been classified as a Variant of Uncertain Significance.